The following is an entry in ClinVar:

ClinVar aggregate classification (germline): Conflicting classifications of pathogenicity. Review status: criteria provided, conflicting classifications (1 of 4 stars). 3 submissions from 3 submitters: Uncertain significance (1); Likely benign (1). 1 of the submissions does not count toward it. Last evaluated 2025-11-04.

Conditions:
Duchenne muscular dystrophy (DMD). Also called: Duchenne Muscular Dystrophy (DMD); MUSCULAR DYSTROPHY, PSEUDOHYPERTROPHIC PROGRESSIVE, DUCHENNE TYPE. Identifiers: Orphanet 98896, MedGen C0013264, MONDO:0010679, OMIM 310200.
Dystrophin deficiency.
Becker muscular dystrophy (BMD). Also called: MUSCULAR DYSTROPHY, PSEUDOHYPERTROPHIC PROGRESSIVE, BECKER TYPE; Becker Muscular Dystrophy (BMD). Identifiers: Orphanet 98895, MedGen C0917713, MONDO:0010311, OMIM 300376.
Cardiomyopathy (CMYO). Also called: Cardiomyopathies. Identifiers: Orphanet 167848, MedGen C0878544, MONDO:0004994, HP:0001638. Inheritance: Various modes of inheritance.
Cardiovascular phenotype. Identifiers: MedGen CN230736.

Allele frequency attached by ClinVar (database versions not stated): gnomAD exomes below 0.00001.
gnomAD v4.1: 1 of 1,211,511 alleles (0.000083%); highest among the groups gnomAD compares: East Asian, 0.003%; no homozygotes.

Submissions (3):

Labcorp Genetics (formerly Invitae), Labcorp
Classification: Uncertain significance for Duchenne muscular dystrophy. Last evaluated: 2025-11-04. Review status: criteria provided, single submitter. Criteria: Invitae Variant Classification Sherloc (09022015). Collection method: clinical testing. Allele origin: germline.
Comment: This sequence change replaces alanine, which is neutral and non-polar, with valine, which is neutral and non-polar, at codon 2908 of the DMD protein (p.Ala2908Val). This variant is not present in population databases (gnomAD no frequency). This variant has not been reported in the literature in individuals affected with DMD-related conditions. ClinVar contains an entry for this variant (Variation ID: 847722). Invitae Evidence Modeling of protein sequence and biophysical properties (such as structural, functional, and spatial information, amino acid conservation, physicochemical variation, residue mobility, and thermodynamic stability) indicates that this missense variant is not expected to disrupt DMD protein function with a negative predictive value of 95%. In summary, the available evidence is currently insufficient to determine the role of this variant in disease. Therefore, it has been classified as a Variant of Uncertain Significance.

Ambry Genetics
Classification: Likely benign for Cardiovascular phenotype. Last evaluated: 2025-10-29. Review status: criteria provided, single submitter. Criteria: Ambry Variant Classification Scheme 2023. Collection method: clinical testing. Allele origin: germline.

Natera, Inc.
Classification: Uncertain significance for Becker muscular dystrophy; Cardiomyopathy; Duchenne muscular dystrophy; Dystrophin deficiency. Last evaluated: 2020-01-24. Review status: no assertion criteria provided. Collection method: clinical testing. Allele origin: germline. Not counted in ClinVar's aggregate classification.

NM_004006.3(DMD):c.8723C>T (p.Ala2908Val)

Gene: DMD (dystrophin; minus strand). Cytogenetic location: Xp21.2.
Variant type: single nucleotide variant.
Coding change: c.8723C>T on transcript NM_004006.3 (MANE Select); coding-DNA position 8723, C replaced by T.
Protein change: p.Ala2908Val; replaces alanine 2908 with valine.
Molecular consequence: missense variant.
Genome position (GRCh38, 1-based): chrX:31,478,320, G>A on the plus strand (C>T on the coding strand, the complement: DMD is on the minus strand). VCF-style: chrX-31478320-G-A. GRCh37 (hg19) VCF-style: chrX-31496437-G-A.
Other names: c.8699C>T, p.Ala2900Val (NM_000109.4); c.8711C>T, p.Ala2904Val (NM_004009.3); c.8354C>T, p.Ala2785Val (NM_004010.3); c.4700C>T, p.Ala1567Val (NM_004011.4); c.4691C>T, p.Ala1564Val (NM_004012.4); c.1343C>T, p.Ala448Val (NM_004013.3, NM_004020.4, NM_004021.3 and 2 more transcripts); c.536C>T, p.Ala179Val (NM_004014.3); short protein forms A179V, A2904V, A2908V, A1564V, A2785V, A2900V, A1567V, A448V.
Identifiers: ClinVar variation 847722 (VCV000847722.9), dbSNP rs2067972248, ClinGen allele CA412654302.
Genomic context (GRCh38, chrX:31,478,320, plus strand): 5'-TTTCTCTGCCAGTCAGCGGAGTGCAGGTTCAATTTTTCCCACTCAGTATTGACCTCCTCA[G>A]CCTGCTTTCGTAGAAGCCGAGTGACATTCTGGGCTCTCTCCTCAGGAGGCAGCTCTAAAT-3'
Protein context (NP_003997.2, residues 2898-2918): QNVTRLLRKQ[Ala2908Val]EEVNTEWEKL